The following is an entry in ClinVar:

NM_000057.4(BLM):c.29A>G (p.Gln10Arg)

Gene: BLM (BLM RecQ like helicase; plus strand). Cytogenetic location: 15q26.1.
Variant type: single nucleotide variant.
Coding change: c.29A>G on transcript NM_000057.4 (MANE Select); coding-DNA position 29, A replaced by G.
Protein change: p.Gln10Arg; replaces glutamine 10 with arginine.
Molecular consequence: missense variant. On other transcripts: 5 prime UTR variant (1).
Genome position (GRCh38, 1-based): chr15:90,747,421, A>G. VCF-style: chr15-90747421-A-G. GRCh37 (hg19) VCF-style: chr15-91290651-A-G.
Other names: c.29A>G, p.Gln10Arg (NM_001287246.2, NM_001287247.2); c.-1263A>G (NM_001287248.2); short protein forms Q10R.
Identifiers: ClinVar variation 2603859 (VCV002603859.2), dbSNP rs2505384873, ClinGen allele CA393838825.

ClinVar aggregate classification (germline): Uncertain significance (1 of 4 stars; one submission).

Conditions:
Hereditary cancer-predisposing syndrome. Also called: Tumor predisposition; Hereditary Cancer Syndrome; Hereditary neoplastic syndrome; Neoplastic Syndromes, Hereditary. Identifiers: Orphanet 140162, MedGen C0027672, MeSH D009386, MONDO:0015356.

Submission:

Ambry Genetics
Classification: Uncertain significance for Hereditary cancer-predisposing syndrome. Last evaluated: 2023-06-25. Review status: criteria provided, single submitter. Criteria: Ambry Variant Classification Scheme 2023. Collection method: clinical testing. Allele origin: germline.
Comment: The p.Q10R variant (also known as c.29A>G), located in coding exon 1 of the BLM gene, results from an A to G substitution at nucleotide position 29. The glutamine at codon 10 is replaced by arginine, an amino acid with highly similar properties. This amino acid position is conserved. In addition, this alteration is predicted to be tolerated by in silico analysis. Since supporting evidence is limited at this time, the clinical significance of this alteration remains unclear.